The following is an entry in ClinVar:

ClinVar aggregate classification (germline): Uncertain significance. Review status: criteria provided, multiple submitters, no conflicts (2 of 4 stars). 2 submissions from 2 submitters: Uncertain significance (2). Last evaluated 2023-12-11.

Conditions:
Inborn genetic diseases. Identifiers: MedGen C0950123, MeSH D030342.

Allele frequency attached by ClinVar (database versions not stated): gnomAD exomes 0.00001; TOPMed 0.00002.
gnomAD v4.1: 19 of 1,611,266 alleles (0.0012%); highest among the groups gnomAD compares: East Asian, 0.0022%; no homozygotes.

Submissions (2):

Labcorp Genetics (formerly Invitae), Labcorp
Classification: Uncertain significance. Last evaluated: 2023-12-11. Review status: criteria provided, single submitter. Criteria: Invitae Variant Classification Sherloc (09022015). Collection method: clinical testing. Allele origin: germline.
Comment: This sequence change replaces arginine, which is basic and polar, with cysteine, which is neutral and slightly polar, at codon 50 of the MRPS22 protein (p.Arg50Cys). This variant is present in population databases (no rsID available, gnomAD 0.004%). This variant has not been reported in the literature in individuals affected with MRPS22-related conditions. ClinVar contains an entry for this variant (Variation ID: 1953845). Algorithms developed to predict the effect of missense changes on protein structure and function output the following: SIFT: "Not Available"; PolyPhen-2: "Benign"; Align-GVGD: "Not Available". The cysteine amino acid residue is found in multiple mammalian species, which suggests that this missense change does not adversely affect protein function. In summary, the available evidence is currently insufficient to determine the role of this variant in disease. Therefore, it has been classified as a Variant of Uncertain Significance.

Ambry Genetics
Classification: Uncertain significance for Inborn genetic diseases. Last evaluated: 2021-04-28. Review status: criteria provided, single submitter. Criteria: Ambry Variant Classification Scheme 2023. Collection method: clinical testing. Allele origin: germline.

NM_020191.4(MRPS22):c.148C>T (p.Arg50Cys)

Genes: MRPS22 (mitochondrial ribosomal protein S22; plus strand), LOC112903839 (Sharpr-MPRA regulatory region 3993; plus strand). Cytogenetic location: 3q23.
Variant type: single nucleotide variant.
Coding change: c.148C>T on transcript NM_020191.4 (MANE Select); coding-DNA position 148, C replaced by T.
Protein change: p.Arg50Cys; replaces arginine 50 with cysteine.
Molecular consequence: missense variant.
Genome position (GRCh38, 1-based): chr3:139,344,174, C>T. VCF-style: chr3-139344174-C-T. GRCh37 (hg19) VCF-style: chr3-139063016-C-T.
Other names: c.148C>T, p.Arg50Cys (NM_001363893.1); short protein forms R50C.
Identifiers: ClinVar variation 1953845 (VCV001953845.6), dbSNP rs1044777795, ClinGen allele CA83992571.